The following is an entry in ClinVar:

NM_001243279.3(ACSF3):c.369C>A (p.Val123=)

Gene: ACSF3 (acyl-CoA synthetase family member 3; plus strand). Cytogenetic location: 16q24.3.
Variant type: single nucleotide variant.
Coding change: c.369C>A on transcript NM_001243279.3 (MANE Select); coding-DNA position 369, C replaced by A.
Protein change: p.Val123=; no amino-acid change (valine 123 retained).
Molecular consequence: synonymous variant. On other transcripts: non-coding transcript variant (3), intron variant (1).
Genome position (GRCh38, 1-based): chr16:89,101,050, C>A. VCF-style: chr16-89101050-C-A. GRCh37 (hg19) VCF-style: chr16-89167458-C-A.
Other names: p.V123V:GTC>GTA; p.Val123=; c.369C>A, p.Val123= (NM_001127214.4, NM_174917.5); c.-129-1554C>A (NM_001284316.2).
Identifiers: ClinVar variation 136276 (VCV000136276.23), dbSNP rs6500529, ClinGen allele CA289282.
Genomic context (GRCh38, chr16:89,101,050, plus strand): 5'-TAACGATGCCTCCTACGTCGTGGCCCAGTGGGCGTCATGGATGAGTGGCGGTGTGGCAGT[C>A]CCCCTCTACAGGAAGCATCCCGCGGCCCAGCTGGAGTATGTCATCTGCGACTCCCAGAGC-3'
Protein context (NP_001230208.1, residues 113-133): WASWMSGGVA[Val123=]PLYRKHPAAQ

ClinVar aggregate classification (germline): Benign. Review status: criteria provided, multiple submitters, no conflicts (2 of 4 stars). 10 submissions from 10 submitters: Benign (7). 3 of the submissions do not count toward it. Last evaluated 2026-06-28.

Conditions:
Methylmalonic acidemia (MMA). Also called: Isolated Methylmalonic Acidemia. Identifiers: MedGen C0268583, MeSH C537358, MONDO:0002012, HP:0002912.
Combined malonic and methylmalonic acidemia. Identifiers: Orphanet 289504, MedGen C3280314, MONDO:0013661, OMIM 614265.

Allele frequency attached by ClinVar (database versions not stated): 1000 Genomes Project 0.61921; 1000 Genomes Project 30x 0.62773; gnomAD 0.71219 and 0.71928; TOPMed 0.71297.

Submissions (10):

Women's Health and Genetics/Laboratory Corporation of America, LabCorp
Classification: Benign. Last evaluated: 2026-06-28. Review status: criteria provided, single submitter. Criteria: LabCorp Variant Classification Summary - May 2015. Collection method: clinical testing. Allele origin: germline.

Labcorp Genetics (formerly Invitae), Labcorp
Classification: Benign for Combined malonic and methylmalonic acidemia. Last evaluated: 2026-02-04. Review status: criteria provided, single submitter. Criteria: Invitae Variant Classification Sherloc (09022015). Collection method: clinical testing. Allele origin: germline.

Blueprint Genetics
Classification: Benign. Last evaluated: 2024-11-27. Review status: criteria provided, single submitter. Criteria: ACMG Guidelines, 2015. Collection method: clinical testing. Allele origin: germline.

Mayo Clinic Laboratories, Mayo Clinic
Classification: Benign. Last evaluated: 2022-03-31. Review status: criteria provided, single submitter. Criteria: ACMG Guidelines, 2015. Collection method: clinical testing. Allele origin: germline. Observed: 93 variant alleles.

Genome-Nilou Lab
Classification: Benign for Combined malonic and methylmalonic acidemia. Last evaluated: 2021-07-01. Review status: criteria provided, single submitter. Criteria: ACMG Guidelines, 2015. Collection method: clinical testing. Allele origin: germline. Affected: no.

GeneDx
Classification: Benign. Last evaluated: 2013-05-29. Review status: criteria provided, single submitter. Criteria: GeneDx Variant Classification (06012015). Collection method: clinical testing. Allele origin: germline. Affected: yes.
Comment: This variant is considered likely benign or benign based on one or more of the following criteria: it is a conservative change, it occurs at a poorly conserved position in the protein, it is predicted to be benign by multiple in silico algorithms, and/or has population frequency not consistent with disease.

Breakthrough Genomics
Classification: Benign. Review status: criteria provided, single submitter. Criteria: ACMG Guidelines, 2015. Collection method: not provided. Allele origin: germline. Inheritance: Unknown mechanism. Affected: yes.

Natera, Inc.
Classification: Benign for Methylmalonic acidemia. Last evaluated: 2020-09-16. Review status: no assertion criteria provided. Collection method: clinical testing. Allele origin: germline. Not counted in ClinVar's aggregate classification.

Diagnostic Laboratory, Department of Genetics, University Medical Center Groningen
Classification: Benign. Review status: no assertion criteria provided. Collection method: clinical testing. Allele origin: germline. Affected: yes. Study: VKGL Data-share Consensus. Not counted in ClinVar's aggregate classification.

Joint Genome Diagnostic Labs from Nijmegen and Maastricht, Radboudumc and MUMC+
Classification: Benign. Review status: no assertion criteria provided. Collection method: clinical testing. Allele origin: germline. Affected: yes. Study: VKGL Data-share Consensus. Not counted in ClinVar's aggregate classification.